The following is an entry in ClinVar:

ClinVar aggregate classification (germline): Uncertain significance. Review status: criteria provided, multiple submitters, no conflicts (2 of 4 stars). 3 submissions from 3 submitters: Uncertain significance (3). Last evaluated 2025-10-18.

Conditions:
Inborn genetic diseases. Identifiers: MedGen C0950123, MeSH D030342.

Allele frequency attached by ClinVar (database versions not stated): 1000 Genomes Project 30x 0.00016; gnomAD exomes 0.00005 and 0.00006; ExAC 0.00007; gnomAD 0.00010 and 0.00023; 1000 Genomes Project 0.00020; TOPMed 0.00022.
gnomAD v4.1: 119 of 1,612,386 alleles (0.0074%); highest among the groups gnomAD compares: Non-Finnish European, 0.0081%; no homozygotes.

Submissions (3):

Ambry Genetics
Classification: Uncertain significance for Inborn genetic diseases. Last evaluated: 2025-10-18. Review status: criteria provided, single submitter. Criteria: Ambry Variant Classification Scheme 2023. Collection method: clinical testing. Allele origin: germline.

Labcorp Genetics (formerly Invitae), Labcorp
Classification: Uncertain significance. Last evaluated: 2024-10-30. Review status: criteria provided, single submitter. Criteria: Invitae Variant Classification Sherloc (09022015). Collection method: clinical testing. Allele origin: germline.
Comment: This sequence change replaces aspartic acid, which is acidic and polar, with valine, which is neutral and non-polar, at codon 523 of the HELLS protein (p.Asp523Val). This variant is present in population databases (rs189788350, gnomAD 0.01%). This variant has not been reported in the literature in individuals affected with HELLS-related conditions. ClinVar contains an entry for this variant (Variation ID: 1386948). An algorithm developed to predict the effect of missense changes on protein structure and function (PolyPhen-2) suggests that this variant is likely to be disruptive. In summary, the available evidence is currently insufficient to determine the role of this variant in disease. Therefore, it has been classified as a Variant of Uncertain Significance.

GeneDx
Classification: Uncertain significance. Last evaluated: 2022-11-30. Review status: criteria provided, single submitter. Criteria: GeneDx Variant Classification Process June 2021. Collection method: clinical testing. Allele origin: germline. Affected: yes.
Comment: In silico analysis supports that this missense variant has a deleterious effect on protein structure/function; Has not been previously published as pathogenic or benign to our knowledge

NM_018063.5(HELLS):c.1568A>T (p.Asp523Val)

Gene: HELLS (helicase, lymphoid specific; plus strand). Cytogenetic location: 10q23.33.
Variant type: single nucleotide variant.
Coding change: c.1568A>T on transcript NM_018063.5 (MANE Select); coding-DNA position 1568, A replaced by T.
Protein change: p.Asp523Val; replaces aspartic acid 523 with valine.
Molecular consequence: missense variant.
Genome position (GRCh38, 1-based): chr10:94,590,492, A>T. VCF-style: chr10-94590492-A-T. GRCh37 (hg19) VCF-style: chr10-96350249-A-T.
Other names: c.1706A>T, p.Asp569Val (NM_001289067.2); c.1520A>T, p.Asp507Val (NM_001289068.2); c.1472A>T, p.Asp491Val (NM_001289069.2); c.1274A>T, p.Asp425Val (NM_001289070.2); c.1196A>T, p.Asp399Val (NM_001289071.2); c.1178A>T, p.Asp393Val (NM_001289072.2); c.1154A>T, p.Asp385Val (NM_001289073.2); c.485A>T, p.Asp162Val (NM_001289074.2); and 2 more; short protein forms D393V, D491V, D523V, D117V, D162V, D385V, D399V, D425V.
Identifiers: ClinVar variation 1386948 (VCV001386948.5), dbSNP rs189788350, ClinGen allele CA5615538.
Genomic context (GRCh38, chr10:94,590,492, plus strand): 5'-GTCCTACTGGTCGACCAAAACGACGAACTAGAAAATCAATAAATTACAGCAAAATAGATG[A>T]TTTCCCTAATGAATTGGAAAAACTGATCAGTCAAATACAGCCAGAGGTGGACCGAGAAAG-3'
Protein context (NP_060533.2, residues 513-533): RKSINYSKID[Asp523Val]FPNELEKLIS